The following is an entry in ClinVar:

ClinVar aggregate classification (germline): Uncertain significance (1 of 4 stars; one submission).

Conditions:
Hypothyroidism, congenital, nongoitrous, 2 (CHNG2). Also called: Hypothyroidism, congenital, due to thyroid dysgenesis or hypoplasia. Identifiers: Orphanet 95712, MedGen C1869118, MONDO:0024264, OMIM 218700.

Submission:

Juno Genomics, Hangzhou Juno Genomics, Inc
Classification: Uncertain significance for Hypothyroidism, congenital, nongoitrous, 2. Review status: criteria provided, single submitter. Criteria: ACMG Guidelines, 2015. Collection method: clinical testing. Allele origin: germline.
Comment: Absent from controls (or at extremely low frequency if recessive) in Genome Aggregation Database.

NM_003466.4(PAX8):c.623T>G (p.Leu208Arg)

Genes: PAX8 (paired box 8; minus strand), PAX8-AS1 (PAX8 antisense RNA 1; plus strand), LOC126806316 (P300/CBP strongly-dependent group 1 enhancer GRCh37_chr2:113998497-113999696; plus strand). Cytogenetic location: 2q14.1.
Variant type: single nucleotide variant.
Coding change: c.623T>G on transcript NM_003466.4 (MANE Select); coding-DNA position 623, T replaced by G.
Protein change: p.Leu208Arg; replaces leucine 208 with arginine.
Molecular consequence: missense variant.
Genome position (GRCh38, 1-based): chr2:113,241,705, A>C on the plus strand (T>G on the coding strand, the complement: PAX8 is on the minus strand). VCF-style: chr2-113241705-A-C. GRCh37 (hg19) VCF-style: chr2-113999282-A-C.
Other names: c.623T>G, p.Leu208Arg (NM_013952.4, NM_013953.4, NM_013992.4); short protein forms L208R.
Identifiers: ClinVar variation 5018995 (VCV005018995.2).